The following is an entry in ClinVar:

ClinVar aggregate classification (germline): Uncertain significance (1 of 4 stars; one submission).

Conditions:
ANKRD31-related disorder. Also called: ANKRD31-related condition.

Submission:

PreventionGenetics, part of Exact Sciences
Classification: Uncertain significance for ANKRD31-related condition. Last evaluated: 2023-03-03. Review status: criteria provided, single submitter. Criteria: ACMG Guidelines, 2015. Collection method: clinical testing. Allele origin: germline.
Comment: The ANKRD31 c.2933A>G variant is predicted to result in the amino acid substitution p.Asp978Gly. To our knowledge, this variant has not been reported in the literature or in a large population database, indicating this variant is rare. At this time, the clinical significance of this variant is uncertain due to the absence of conclusive functional and genetic evidence.

NM_001372053.1(ANKRD31):c.2933A>G (p.Asp978Gly)

Gene: ANKRD31 (ankyrin repeat domain 31; minus strand). Cytogenetic location: 5q13.3.
Variant type: single nucleotide variant.
Coding change: c.2933A>G on transcript NM_001372053.1 (MANE Select); coding-DNA position 2933, A replaced by G.
Protein change: p.Asp978Gly; replaces aspartic acid 978 with glycine.
Molecular consequence: missense variant.
Genome position (GRCh38, 1-based): chr5:75,146,478, T>C on the plus strand (A>G on the coding strand, the complement: ANKRD31 is on the minus strand). VCF-style: chr5-75146478-T-C. GRCh37 (hg19) VCF-style: chr5-74442303-T-C.
Other names: c.2933A>G, p.Asp978Gly (NM_001164443.1); short protein forms D978G.
Identifiers: ClinVar variation 2630653 (VCV002630653.1), dbSNP rs1203609003, ClinGen allele CA360134098.
Genomic context (GRCh38, chr5:75,146,478, plus strand): 5'-AAAGAAGGTCCAAATATGCATTGTTCATAATTTGCAACATGTTCAGAAATAACTGCATTA[T>C]CTGAATAAGAAAAATTAACAGCTTCCTGTTCTGGAAGTGTGGTTAGGCTGACTGCTTTTA-3'
Protein context (NP_001358982.1, residues 968-988): EQEAVNFSYS[Asp978Gly]NAVISEHVAN